The following is an entry in ClinVar:

NM_001127511.3(APC):c.166-28739T>C

Gene: APC (APC regulator of Wnt signaling pathway; plus strand). Cytogenetic location: 5q22.2.
Variant type: single nucleotide variant.
Coding change: c.166-28739T>C on transcript NM_001127511.3; 28739 bases into the intron before coding-DNA position 166, T replaced by C.
Molecular consequence: intron variant.
Genome position (GRCh38, 1-based): chr5:112,737,587, T>C. VCF-style: chr5-112737587-T-C. GRCh37 (hg19) VCF-style: chr5-112073284-T-C.
Other names: c.-1053-17286T>C (NM_001407470.1, NM_001407472.1); c.-18-17286T>C (NM_001407447.1, NM_001354895.2, NM_001407456.1 and 7 more transcripts); c.166-28739T>C (NM_001407446.1, NM_001354897.2, NM_001354902.2); c.-42-28739T>C (NM_001407453.1).
Identifiers: ClinVar variation 82733 (VCV000082733.4), dbSNP rs79734816, ClinGen allele CA023890.

ClinVar aggregate classification (germline): other (0 of 4 stars; one submission).

Conditions:
Familial colorectal cancer. Identifiers: MedGen CN280943, MONDO:0023113. Disease mechanism: loss of function.

Submission:

Systems Biology Platform Zhejiang California International NanoSystems Institute
Classification: other for Familial colorectal cancer. Review status: no assertion criteria provided. Collection method: not provided. Allele origin: unknown.
ClinVar note: Converted during submission from cancer to other.